The following is an entry in ClinVar:

NM_001005242.3(PKP2):c.1926T>A (p.Tyr642Ter)

Gene: PKP2 (plakophilin 2; minus strand). Cytogenetic location: 12p11.21.
Variant type: single nucleotide variant.
Coding change: c.1926T>A on transcript NM_001005242.3 (MANE Select); coding-DNA position 1926, T replaced by A.
Protein change: p.Tyr642Ter; replaces tyrosine 642 with a stop codon.
Molecular consequence: nonsense.
Genome position (GRCh38, 1-based): chr12:32,821,443, A>T on the plus strand (T>A on the coding strand, the complement: PKP2 is on the minus strand). VCF-style: chr12-32821443-A-T. GRCh37 (hg19) VCF-style: chr12-32974377-A-T.
Other names: c.2058T>A, p.Tyr686Ter (NM_004572.4); c.1926T>A (NM_001005242.2); short protein forms Y642*, Y686*.
Identifiers: ClinVar variation 978331 (VCV000978331.5), dbSNP rs1444213066, ClinGen allele CA384361815.

ClinVar aggregate classification (germline): Pathogenic. Review status: criteria provided, multiple submitters, no conflicts (2 of 4 stars). 3 submissions from 3 submitters: Pathogenic (3). Last evaluated 2025-04-09.

Conditions:
Cardiovascular phenotype. Identifiers: MedGen CN230736.
Arrhythmogenic right ventricular dysplasia 9 (ARVD9). Also called: Arrhythmogenic Right Ventricular Dysplasia/Cardiomyopathy 9; ARRHYTHMOGENIC RIGHT VENTRICULAR DYSPLASIA, FAMILIAL, 9. Identifiers: MedGen C1836906, MONDO:0012180, OMIM 609040.

Submissions (3):

Labcorp Genetics (formerly Invitae), Labcorp
Classification: Pathogenic for Arrhythmogenic right ventricular dysplasia 9. Last evaluated: 2025-04-09. Review status: criteria provided, single submitter. Criteria: Invitae Variant Classification Sherloc (09022015). Collection method: clinical testing. Allele origin: germline.
Comment: This sequence change creates a premature translational stop signal (p.Tyr686*) in the PKP2 gene. It is expected to result in an absent or disrupted protein product. Loss-of-function variants in PKP2 are known to be pathogenic (PMID: 15489853, 17041889, 23911551). This variant is not present in population databases (gnomAD no frequency). This premature translational stop signal has been observed in individual(s) with arrhythmogenic right ventricular cardiomyopathy (PMID: 27532257). ClinVar contains an entry for this variant (Variation ID: 978331). For these reasons, this variant has been classified as Pathogenic.

Molecular Diagnostic Laboratory for Inherited Cardiovascular Disease, Montreal Heart Institute
Classification: Pathogenic for Cardiovascular phenotype. Last evaluated: 2024-02-20. Review status: criteria provided, single submitter. Criteria: ACMG Guidelines, 2015. Collection method: clinical testing. Allele origin: germline. Affected: yes.
Comment: PVS1, PM2, PS4_supp

Baylor Genetics
Classification: Pathogenic for Arrhythmogenic right ventricular dysplasia 9. Last evaluated: 2022-03-22. Review status: criteria provided, single submitter. Criteria: ACMG Guidelines, 2015. Collection method: clinical testing. Allele origin: unknown.

Literature cited by the submitters: PubMed 15489853 (cited by Labcorp Genetics (formerly Invitae), Labcorp); PubMed 17041889 (cited by Labcorp Genetics (formerly Invitae), Labcorp); PubMed 23911551 (cited by Labcorp Genetics (formerly Invitae), Labcorp); PubMed 27532257 (cited by Labcorp Genetics (formerly Invitae), Labcorp).